The following is an entry in ClinVar:

ClinVar aggregate classification (germline): Uncertain significance. Review status: criteria provided, multiple submitters, no conflicts (2 of 4 stars). 4 submissions from 3 submitters: Uncertain significance (4). Last evaluated 2021-10-25.

Conditions:
Noonan syndrome 4 (NS4). Also called: NOONAN SYNDROME WITH PIGMENTED VILLONODULAR SYNOVITIS; SOS1-Related Noonan Syndrome. Identifiers: Orphanet 648, MedGen C1853120, MONDO:0012547, OMIM 610733.
Fibromatosis, gingival, 1 (GINGF1). Identifiers: Orphanet 2024, MedGen C4551558, MONDO:0007609, OMIM 135300.

Submissions (4):

3billion
Classification: Uncertain significance for Noonan syndrome 4. Last evaluated: 2021-10-25. Review status: criteria provided, single submitter. Criteria: ACMG Guidelines, 2015. Collection method: clinical testing. Allele origin: maternal. Affected: yes. Observed: 1 heterozygote.
Comment: This varant is not observed in the gnomAD v2.1.1 dataset (PM2). Missense changes are a common disease-causing mechanism (PP2). In silico tool predictions suggest damaging effect of the variant on gene or gene product (REVEL: 0.885, 3Cnet: 0.980, PP3). Therefore, this variant is classified as uncertain significance according to the recommendation of ACMG/AMP guideline.

Institute of Human Genetics, University of Leipzig Medical Center
Classification: Uncertain significance for Noonan syndrome 4. Last evaluated: 2020-10-14. Review status: criteria provided, single submitter. Criteria: ACMG Guidelines, 2015. Collection method: clinical testing. Allele origin: unknown. Affected: yes.

Genome-Nilou Lab
Classification: Uncertain significance for Noonan syndrome 4. Review status: criteria provided, single submitter. Criteria: ACMG Guidelines, 2015. Collection method: clinical testing. Allele origin: germline.

Genome-Nilou Lab
Classification: Uncertain significance for Fibromatosis, gingival, 1. Review status: criteria provided, single submitter. Criteria: ACMG Guidelines, 2015. Collection method: clinical testing. Allele origin: germline.

NM_005633.4(SOS1):c.1289A>G (p.Asp430Gly)

Gene: SOS1 (SOS Ras/Rac guanine nucleotide exchange factor 1; minus strand). Cytogenetic location: 2p22.1.
Variant type: single nucleotide variant.
Coding change: c.1289A>G on transcript NM_005633.4 (MANE Select); coding-DNA position 1289, A replaced by G.
Protein change: p.Asp430Gly; replaces aspartic acid 430 with glycine.
Molecular consequence: missense variant.
Genome position (GRCh38, 1-based): chr2:39,023,139, T>C on the plus strand (A>G on the coding strand, the complement: SOS1 is on the minus strand). VCF-style: chr2-39023139-T-C. GRCh37 (hg19) VCF-style: chr2-39250280-T-C.
Other names: c.1268A>G, p.Asp423Gly (NM_001382394.1); c.1289A>G, p.Asp430Gly (NM_001382395.1); short protein forms D423G, D430G.
Identifiers: ClinVar variation 1285405 (VCV001285405.3), dbSNP rs2124537699, ClinGen allele CA346366512.
Genomic context (GRCh38, chr2:39,023,139, plus strand): 5'-AGAGTTCCTTCCATTATAAATTCATTACAACACTGTCCAATGTCTTTTCCCTCCCAACCA[T>C]CAATATTCTTCTGAATCTCGTTCATCTTCTTGATTGCTAGTTGTTTCCCCTTCATTTGCT-3'
Protein context (NP_005624.2, residues 420-440): KKMNEIQKNI[Asp430Gly]GWEGKDIGQC